The following is an entry in ClinVar:

ClinVar aggregate classification (germline): Uncertain significance (1 of 4 stars; one submission).

Submission:

GeneDx
Classification: Uncertain significance. Last evaluated: 2024-05-28. Review status: criteria provided, single submitter. Criteria: GeneDx Variant Classification Process June 2021. Collection method: clinical testing. Allele origin: germline. Affected: yes.
Comment: Not observed at significant frequency in large population cohorts (gnomAD); In silico analysis supports that this missense variant has a deleterious effect on protein structure/function; Has not been previously published as pathogenic or benign to our knowledge; This variant is associated with the following publications: (PMID: 22696272)

NM_000393.5(COL5A2):c.1097G>C (p.Gly366Ala)

Gene: COL5A2 (collagen type V alpha 2 chain; minus strand). Cytogenetic location: 2q32.2.
Variant type: single nucleotide variant.
Coding change: c.1097G>C on transcript NM_000393.5 (MANE Select); coding-DNA position 1097, G replaced by C.
Protein change: p.Gly366Ala; replaces glycine 366 with alanine.
Molecular consequence: missense variant.
Genome position (GRCh38, 1-based): chr2:189,075,400, C>G on the plus strand (G>C on the coding strand, the complement: COL5A2 is on the minus strand). VCF-style: chr2-189075400-C-G. GRCh37 (hg19) VCF-style: chr2-189940126-C-G.
Other names: short protein forms G366A.
Identifiers: ClinVar variation 3383716 (VCV003383716.1).